The following is an entry in ClinVar:

ClinVar aggregate classification (germline): Pathogenic (1 of 4 stars; one submission).

Conditions:
Werner syndrome (WRN). Identifiers: Orphanet 902, MedGen C0043119, MONDO:0010196, OMIM 277700.

Submission:

Labcorp Genetics (formerly Invitae), Labcorp
Classification: Pathogenic for Werner syndrome. Last evaluated: 2023-11-10. Review status: criteria provided, single submitter. Criteria: Invitae Variant Classification Sherloc (09022015). Collection method: clinical testing. Allele origin: germline.
Comment: This sequence change creates a premature translational stop signal (p.Ile815Phefs*5) in the WRN gene. It is expected to result in an absent or disrupted protein product. Loss-of-function variants in WRN are known to be pathogenic (PMID: 16673358). This variant is not present in population databases (gnomAD no frequency). This variant has not been reported in the literature in individuals affected with WRN-related conditions. For these reasons, this variant has been classified as Pathogenic.

Literature cited by the submitters: PubMed 16673358.

NM_000553.6(WRN):c.2443del (p.Ile815fs)

Gene: WRN (WRN RecQ like helicase; plus strand). Cytogenetic location: 8p12.
Variant type: Deletion.
Coding change: c.2443del on transcript NM_000553.6 (MANE Select); coding-DNA position 2443, one base deleted (A; older notation c.2443delA).
Protein change: p.Ile815fs; shifts the reading frame from isoleucine 815.
Molecular consequence: frameshift variant.
Genome position (GRCh38, 1-based): chr8:31,116,523, A deleted; the last of 3 consecutive A bases (chr8:31,116,521-31,116,523); deleting any one gives the same sequence. VCF-style (leftmost placement, unchanged base first): chr8-31116520-GA-G. GRCh37 (hg19) VCF-style: chr8-30974036-GA-G.
Other names: short protein forms I815fs.
Identifiers: ClinVar variation 2882152 (VCV002882152.3), dbSNP rs1801530173, ClinGen allele CA1112400128.